The following is an entry in ClinVar:

ClinVar aggregate classification (germline): Likely benign (0 of 4 stars; one submission).

Conditions:
ACTN3-related disorder. Also called: ACTN3-related condition.

Allele frequency attached by ClinVar (database versions not stated): ESP Exome Variant Server 0.00015; TOPMed 0.00025; gnomAD 0.00072; ExAC 0.00151; 1000 Genomes Project 30x 0.00172; 1000 Genomes Project 0.00220.
gnomAD v4.1: 1,010 of 1,511,952 alleles (0.067%); highest among the groups gnomAD compares: East Asian, 1.1%; 9 homozygotes.

Submission:

PreventionGenetics, part of Exact Sciences
Classification: Likely benign for ACTN3-related condition. Last evaluated: 2019-07-10. Review status: no assertion criteria provided. Collection method: clinical testing. Allele origin: germline.
Comment: This variant is classified as likely benign based on ACMG/AMP sequence variant interpretation guidelines (Richards et al. 2015 PMID: 25741868, with internal and published modifications).

NM_001104.4(ACTN3):c.106G>C (p.Asp36His)

Gene: ACTN3 (actinin alpha 3; plus strand). Cytogenetic location: 11q13.2.
Variant type: single nucleotide variant.
Coding change: c.106G>C on transcript NM_001104.4 (MANE Select); coding-DNA position 106, G replaced by C.
Protein change: p.Asp36His; replaces aspartic acid 36 with histidine.
Molecular consequence: missense variant. On other transcripts: intron variant (1).
Genome position (GRCh38, 1-based): chr11:66,547,043, G>C. VCF-style: chr11-66547043-G-C. GRCh37 (hg19) VCF-style: chr11-66314514-G-C.
Other names: c.276+257G>C (NM_001258371.3); short protein forms D36H.
Identifiers: ClinVar variation 3033952 (VCV003033952.2), dbSNP rs201937354, ClinGen allele CA6124175.
Genomic context (GRCh38, chr11:66,547,043, plus strand): 5'-CGCTTTGCGGGCGGCGGCGGGGGCGGCGAGTACATGGAACAGGAGGAGGACTGGGACCGC[G>C]ACCTGCTGCTGGACCCGGCCTGGGAGAAGCAGCAGCGGAAAGTGAGTGCTCGCCCATTTC-3'
Protein context (NP_001095.2, residues 26-46): YMEQEEDWDR[Asp36His]LLLDPAWEKQ